The following is an entry in ClinVar:

ClinVar aggregate classification (germline): Uncertain significance (1 of 4 stars; one submission).

Conditions:
Leber congenital amaurosis 8 (LCA8). Identifiers: Orphanet 65, MedGen C3151202, MONDO:0013453, OMIM 613835.
Retinitis pigmentosa 12 (RP12). Also called: RP WITH OR WITHOUT PPRPE; RP WITH OR WITHOUT PRESERVED PARAARTERIOLE RETINAL PIGMENT EPITHELIUM; RETINITIS PIGMENTOSA WITH OR WITHOUT PARAARTERIOLAR PRESERVATION OF RETINAL PIGMENT EPITHELIUM. Identifiers: Orphanet 791, MedGen C1838647, MONDO:0010818, OMIM 600105.

Allele frequency attached by ClinVar (database versions not stated): TOPMed below 0.00001.
gnomAD v4.1: 9 of 1,614,078 alleles (0.00056%); highest among the groups gnomAD compares: Non-Finnish European, 0.00076%; no homozygotes.

Submission:

Labcorp Genetics (formerly Invitae), Labcorp
Classification: Uncertain significance for Leber congenital amaurosis 8; Retinitis pigmentosa 12. Last evaluated: 2022-08-31. Review status: criteria provided, single submitter. Criteria: Invitae Variant Classification Sherloc (09022015). Collection method: clinical testing. Allele origin: germline.
Comment: This sequence change replaces glycine, which is neutral and non-polar, with arginine, which is basic and polar, at codon 490 of the CRB1 protein (p.Gly490Arg). This variant is not present in population databases (gnomAD no frequency). This variant has not been reported in the literature in individuals affected with CRB1-related conditions. ClinVar contains an entry for this variant (Variation ID: 1405302). Advanced modeling of protein sequence and biophysical properties (such as structural, functional, and spatial information, amino acid conservation, physicochemical variation, residue mobility, and thermodynamic stability) performed at Invitae indicates that this missense variant is expected to disrupt CRB1 protein function. In summary, the available evidence is currently insufficient to determine the role of this variant in disease. Therefore, it has been classified as a Variant of Uncertain Significance.

NM_201253.3(CRB1):c.1468G>C (p.Gly490Arg)

Gene: CRB1 (crumbs cell polarity complex component 1; plus strand). Cytogenetic location: 1q31.3.
Variant type: single nucleotide variant.
Coding change: c.1468G>C on transcript NM_201253.3 (MANE Select); coding-DNA position 1468, G replaced by C.
Protein change: p.Gly490Arg; replaces glycine 490 with arginine.
Molecular consequence: missense variant. On other transcripts: non-coding transcript variant (2).
Genome position (GRCh38, 1-based): chr1:197,421,296, G>C. VCF-style: chr1-197421296-G-C. GRCh37 (hg19) VCF-style: chr1-197390426-G-C.
Other names: c.1132G>C, p.Gly378Arg (NM_001193640.2); c.1261G>C, p.Gly421Arg (NM_001257965.2); c.1468G>C, p.Gly490Arg (NM_001257966.2); short protein forms G378R, G421R, G490R.
Identifiers: ClinVar variation 1405302 (VCV001405302.5), dbSNP rs1450685360, ClinGen allele CA344031044.